The following is an entry in ClinVar:

ClinVar aggregate classification (germline): Likely benign. Review status: criteria provided, multiple submitters, no conflicts (2 of 4 stars). 5 submissions from 5 submitters: Likely benign (4). 1 of the submissions does not count toward it. Last evaluated 2025-09-13.

Conditions:
MCM2-related disorder. Also called: MCM2-related condition.
Autosomal dominant nonsyndromic hearing loss 70. Also called: Deafness, autosomal dominant 70. Identifiers: Orphanet 90635, MedGen C4310775, MONDO:0014853, OMIM 616968.

Allele frequency attached by ClinVar (database versions not stated): gnomAD 0.00007 and 0.00008; gnomAD exomes 0.00016 and 0.00039; TOPMed 0.00016; ExAC 0.00039.
gnomAD v4.1: 108 of 1,613,412 alleles (0.0067%); highest among the groups gnomAD compares: Admixed American, 0.18%; no homozygotes.

Submissions (5):

Labcorp Genetics (formerly Invitae), Labcorp
Classification: Likely benign. Last evaluated: 2025-09-13. Review status: criteria provided, single submitter. Criteria: Invitae Variant Classification Sherloc (09022015). Collection method: clinical testing. Allele origin: germline.

Blueprint Genetics
Classification: Likely benign. Last evaluated: 2022-02-21. Review status: criteria provided, single submitter. Criteria: ACMG Guidelines, 2015. Collection method: clinical testing. Allele origin: germline.

Department of Pathology and Laboratory Medicine, Sinai Health System
Classification: Likely benign for Autosomal dominant nonsyndromic hearing loss 70. Last evaluated: 2022-02-09. Review status: criteria provided, single submitter. Criteria: ACMG Guidelines, 2015. Collection method: research. Allele origin: germline.

GeneDx
Classification: Likely benign. Last evaluated: 2021-03-02. Review status: criteria provided, single submitter. Criteria: GeneDx Variant Classification Process June 2021. Collection method: clinical testing. Allele origin: germline. Affected: yes.

PreventionGenetics, part of Exact Sciences
Classification: Likely benign for MCM2-related condition. Last evaluated: 2020-06-15. Review status: no assertion criteria provided. Collection method: clinical testing. Allele origin: germline. Not counted in ClinVar's aggregate classification.
Comment: This variant is classified as likely benign based on ACMG/AMP sequence variant interpretation guidelines (Richards et al. 2015 PMID: 25741868, with internal and published modifications).

NM_004526.4(MCM2):c.449A>G (p.Lys150Arg)

Gene: MCM2 (minichromosome maintenance complex component 2; plus strand). Cytogenetic location: 3q21.3.
Variant type: single nucleotide variant.
Coding change: c.449A>G on transcript NM_004526.4 (MANE Select); coding-DNA position 449, A replaced by G.
Protein change: p.Lys150Arg; replaces lysine 150 with arginine.
Molecular consequence: missense variant. On other transcripts: non-coding transcript variant (1).
Genome position (GRCh38, 1-based): chr3:127,604,932, A>G. VCF-style: chr3-127604932-A-G. GRCh37 (hg19) VCF-style: chr3-127323775-A-G.
Other names: short protein forms K150R.
Identifiers: ClinVar variation 1316816 (VCV001316816.10), dbSNP rs764317061, ClinGen allele CA2595590.